The following is an entry in ClinVar:

ClinVar aggregate classification (germline): Pathogenic. Review status: reviewed by expert panel (3 of 4 stars). 12 submissions from 12 submitters: Pathogenic (1). 11 of the submissions do not count toward it. Last evaluated 2017-03-17.

Conditions:
CFTR-related disorder (CFTR-RD). Also called: CFTR-related condition; CFTR-related disorders. Identifiers: MedGen C5924204, MONDO:7770004.
Bronchiectasis with or without elevated sweat chloride 1 (BESC1). Also called: Cystic Fibrosis-Like Syndrome. Identifiers: Orphanet 60033, MedGen C2749757, MONDO:0008887, OMIM 211400.
Cystic fibrosis (CF). Also called: MUCOVISCIDOSIS. Identifiers: Orphanet 586, MedGen C0010674, MONDO:0009061, OMIM 219700. Disease mechanism: loss of function.

gnomAD v4.1: 2 of 1,605,496 alleles (0.00012%); highest among the groups gnomAD compares: Non-Finnish European, 0.00017%; no homozygotes.

Submissions (12):

CFTR2
Classification: Pathogenic for Cystic fibrosis. Last evaluated: 2017-03-17. Review status: reviewed by expert panel. Criteria: Sosnay PR et al. (Nat Genet 2013). Collection method: research. Allele origin: germline. Affected: yes. Study: CFTR2.

Institute of Human Genetics, University of Leipzig Medical Center
Classification: Pathogenic for Cystic fibrosis. Last evaluated: 2025-07-01. Review status: criteria provided, single submitter. Criteria: ACMG Guidelines, 2015. Collection method: clinical testing. Allele origin: unknown. Inheritance: Autosomal recessive inheritance. Affected: yes. Not counted in ClinVar's aggregate classification.
Comment: Criteria applied: PVS1,PM3_VSTR,PM2_SUP

Johns Hopkins Genomics, Johns Hopkins University
Classification: Pathogenic for Cystic fibrosis. Last evaluated: 2025-01-23. Review status: criteria provided, single submitter. Criteria: ACMG Guidelines, 2015. Collection method: clinical testing. Allele origin: germline. Not counted in ClinVar's aggregate classification.
Comment: This variant is classified as pathogenic (PVS1, PM2, PM3, PP4).

Natera, Inc.
Classification: Pathogenic for CFTR-related disorders. Last evaluated: 2024-10-22. Review status: criteria provided, single submitter. Criteria: Natera Variant Classification Schema (03/2026). Collection method: clinical testing. Allele origin: germline. Not counted in ClinVar's aggregate classification.
Comment: The c.3937C>T variant in CFTR is a nonsense variant predicted to introduce a stop codon at amino acid 1313. This variant is expected to result in nonsense mediated decay, truncation, or a dysfunctional protein product. This variant is rare in the general population with a frequency below the threshold expected for the associated phenotype(s). This variant has been observed in one or more individuals affected with the associated recessive disease, as either homozygous or compound heterozygous with a second variant (PMID: 15463882, 25674778). Given the available evidence, this variant is classified as Pathogenic.

Blueprint Genetics
Classification: Pathogenic for CFTR-related disorders. Last evaluated: 2024-03-11. Review status: criteria provided, single submitter. Criteria: ACMG Guidelines, 2015. Collection method: clinical testing. Allele origin: germline. Affected: yes. Observed: 3 variant alleles. Not counted in ClinVar's aggregate classification.

Labcorp Genetics (formerly Invitae), Labcorp
Classification: Pathogenic for Cystic fibrosis. Last evaluated: 2024-01-30. Review status: criteria provided, single submitter. Criteria: Invitae Variant Classification Sherloc (09022015). Collection method: clinical testing. Allele origin: germline. Not counted in ClinVar's aggregate classification.
Comment: This sequence change creates a premature translational stop signal (p.Gln1313*) in the CFTR gene. It is expected to result in an absent or disrupted protein product. Loss-of-function variants in CFTR are known to be pathogenic (PMID: 1695717, 7691345, 9725922). This variant is not present in population databases (gnomAD no frequency). This premature translational stop signal has been observed in individual(s) with cystic fibrosis (PMID: 7683952, 22658665, 23974870). This variant is also known as c.4069C>T. ClinVar contains an entry for this variant (Variation ID: 7180). For these reasons, this variant has been classified as Pathogenic.

Baylor Genetics
Classification: Pathogenic for Bronchiectasis with or without elevated sweat chloride 1. Last evaluated: 2023-04-12. Review status: criteria provided, single submitter. Criteria: ACMG Guidelines, 2015. Collection method: clinical testing. Allele origin: unknown. Not counted in ClinVar's aggregate classification.

Women's Health and Genetics/Laboratory Corporation of America, LabCorp
Classification: Pathogenic for Cystic fibrosis. Last evaluated: 2020-08-17. Review status: criteria provided, single submitter. Criteria: LabCorp Variant Classification Summary - May 2015. Collection method: clinical testing. Allele origin: germline. Not counted in ClinVar's aggregate classification.
Comment: Variant summary: CFTR c.3937C>T (p.Gln1313X) results in a premature termination codon, predicted to cause a truncation of the encoded protein or absence of the protein due to nonsense mediated decay, which are commonly known mechanisms for disease. Truncations downstream of this position have been classified as pathogenic by our laboratory. The variant was absent in 250482 control chromosomes. c.3937C>T has been reported in the literature in multiple individuals affected with Cystic Fibrosis (example, Audrezet_1993, Alonso_2007, Schrijver_2005, desGeorges_2004, Dorfman_2010, Krenkova_2012). These data indicate that the variant is very likely to be associated with disease. Three clinical diagnostic laboratories and one expert panel (CFTR2) have submitted clinical-significance assessments for this variant to ClinVar after 2014 without evidence for independent evaluation. All submitters classified the variant as pathogenic. Based on the evidence outlined above, the variant was classified as pathogenic.

CFTR-France
Classification: Pathogenic for cystic fibrosis. Last evaluated: 2018-01-29. Review status: criteria provided, single submitter. Criteria: Claustres M et al. (Hum Mutat 2017). Collection method: curation. Allele origin: germline. Affected: yes. Not counted in ClinVar's aggregate classification.

Ambry Genetics
Classification: Pathogenic for Cystic fibrosis. Last evaluated: 2015-06-29. Review status: criteria provided, single submitter. Criteria: Ambry Variant Classification Scheme 2023. Collection method: clinical testing. Allele origin: germline. Not counted in ClinVar's aggregate classification.
Comment: The p.Q1313* pathogenic mutation (also known as c.3937C>T, c.4069C>T and p.Q1313X) is located in coding exon 24 of the CFTR gene. In one study, this mutation was detected in homozygous state in a patient with pancreatic insufficiency and severe symptoms (Audrezet MP et. al. Hum. Molec Genet. 1993;2(1):51-54). This mutation is associated with decreased lung function (mean FEV 71%), elevated sweat chloride levels, pancreatic insufficiency, and pseudomonas (Sosnay PR et al. Nat Genet. 2013;45(10):1160-1167, Supplementary Table and The Clinical and Functional Translation of CFTR (CFTR2); available at CFTR2. Accessed July 27, 2015). In addition to the clinical data presented in the literature, since premature stop codons are typically deleterious in nature, this alteration is interpreted as a disease-causing mutation (ACMG Recommendations for Standards for Interpretation and Reporting of Sequence Variations. Revision 2007. Genet Med. 2008;10:294).

OMIM
Classification: Pathogenic for CYSTIC FIBROSIS. Last evaluated: 2018-04-09. Review status: no assertion criteria provided. Collection method: literature only. Allele origin: germline. Not counted in ClinVar's aggregate classification.

Counsyl
Classification: Pathogenic for Cystic fibrosis. Last evaluated: 2016-09-09. Review status: no assertion criteria provided. Collection method: clinical testing. Allele origin: unknown. Not counted in ClinVar's aggregate classification.

Literature cited by the submitters: PubMed 15463882 (cited by Natera, Inc.); PubMed 25674778 (cited by Natera, Inc.); PubMed 1695717 (cited by Labcorp Genetics (formerly Invitae), Labcorp); PubMed 7691345 (cited by Labcorp Genetics (formerly Invitae), Labcorp); PubMed 9725922 (cited by Labcorp Genetics (formerly Invitae), Labcorp); PubMed 7683952 (cited by 3 submitters); PubMed 22658665 (cited by Labcorp Genetics (formerly Invitae), Labcorp and Women's Health and Genetics/Laboratory Corporation of America, LabCorp); PubMed 23974870 (cited by 4 submitters); PubMed 17331079 (cited by Women's Health and Genetics/Laboratory Corporation of America, LabCorp); PubMed 10923036 (cited by Women's Health and Genetics/Laboratory Corporation of America, LabCorp); PubMed 15858154 (cited by Women's Health and Genetics/Laboratory Corporation of America, LabCorp); PubMed 20059485 (cited by Women's Health and Genetics/Laboratory Corporation of America, LabCorp); PubMed 18344710 (cited by Women's Health and Genetics/Laboratory Corporation of America, LabCorp); PubMed 15698946 (cited by Women's Health and Genetics/Laboratory Corporation of America, LabCorp); PubMed 23276700 (cited by Women's Health and Genetics/Laboratory Corporation of America, LabCorp); PubMed 20622033 (cited by Women's Health and Genetics/Laboratory Corporation of America, LabCorp); PubMed 15024729 (cited by OMIM).

NM_000492.4(CFTR):c.3937C>T (p.Gln1313Ter)

Gene: CFTR (CF transmembrane conductance regulator; plus strand). Cytogenetic location: 7q31.2.
Variant type: single nucleotide variant.
Coding change: c.3937C>T on transcript NM_000492.4 (MANE Select); coding-DNA position 3937, C replaced by T.
Protein change: p.Gln1313Ter; replaces glutamine 1313 with a stop codon.
Molecular consequence: nonsense.
Genome position (GRCh38, 1-based): chr7:117,652,905, C>T. VCF-style: chr7-117652905-C-T. GRCh37 (hg19) VCF-style: chr7-117292959-C-T.
Other names: short protein forms Q1313*.
Identifiers: ClinVar variation 7180 (VCV000007180.20), dbSNP rs121909026, ClinGen allele CA340650.